The following is an entry in ClinVar:

ClinVar aggregate classification (germline): Uncertain significance (1 of 4 stars; one submission).

Conditions:
Candidiasis, familial, 9 (CANDF9). Identifiers: Orphanet 1334, MedGen C4225324, MONDO:0014642, OMIM 616445.

Allele frequency attached by ClinVar (database versions not stated): TOPMed below 0.00001; gnomAD 0.00001; gnomAD exomes 0.00001; ExAC 0.00002.
gnomAD v4.1: 17 of 1,613,872 alleles (0.0011%); highest among the groups gnomAD compares: Non-Finnish European, 0.0014%; no homozygotes.

Submission:

Labcorp Genetics (formerly Invitae), Labcorp
Classification: Uncertain significance for Candidiasis, familial, 9. Last evaluated: 2024-10-22. Review status: criteria provided, single submitter. Criteria: Invitae Variant Classification Sherloc (09022015). Collection method: clinical testing. Allele origin: germline.
Comment: This sequence change replaces proline, which is neutral and non-polar, with alanine, which is neutral and non-polar, at codon 103 of the IL17RC protein (p.Pro103Ala). This variant is present in population databases (rs746277421, gnomAD 0.004%). This variant has not been reported in the literature in individuals affected with IL17RC-related conditions. ClinVar contains an entry for this variant (Variation ID: 1904296). An algorithm developed to predict the effect of missense changes on protein structure and function (PolyPhen-2) suggests that this variant is likely to be tolerated. In summary, the available evidence is currently insufficient to determine the role of this variant in disease. Therefore, it has been classified as a Variant of Uncertain Significance.

NM_153460.4(IL17RC):c.106-91C>G

Gene: IL17RC (interleukin 17 receptor C; plus strand). Cytogenetic location: 3p25.3.
Variant type: single nucleotide variant.
Coding change: c.106-91C>G on transcript NM_153460.4 (MANE Select); 91 bases into the intron before coding-DNA position 106, C replaced by G.
Molecular consequence: intron variant. On other transcripts: missense variant (1).
Genome position (GRCh38, 1-based): chr3:9,917,622, C>G. VCF-style: chr3-9917622-C-G. GRCh37 (hg19) VCF-style: chr3-9959306-C-G.
Other names: c.307C>G, p.Pro103Ala (NM_153461.4); c.106-91C>G (NM_001203263.2, NM_001203264.2, NM_001367278.1 and 4 more transcripts); short protein forms P103A.
Identifiers: ClinVar variation 1904296 (VCV001904296.5), dbSNP rs746277421, ClinGen allele CA2246701.